The following is an entry in ClinVar:

ClinVar aggregate classification (germline): Conflicting classifications of pathogenicity. Review status: criteria provided, conflicting classifications (1 of 4 stars). 7 submissions from 7 submitters: Uncertain significance (4); Likely benign (3). Last evaluated 2025-10-15.

Conditions:
Hereditary cancer-predisposing syndrome. Also called: Hereditary Cancer Syndrome; Neoplastic Syndromes, Hereditary; Tumor predisposition; Hereditary neoplastic syndrome. Identifiers: Orphanet 140162, MedGen C0027672, MeSH D009386, MONDO:0015356.
Microcephaly, normal intelligence and immunodeficiency (NBS). Also called: BERLIN BREAKAGE SYNDROME; Ataxia telangiectasia variant V1; IMMUNODEFICIENCY, MICROCEPHALY, AND CHROMOSOMAL INSTABILITY; SEEMANOVA SYNDROME II; Nijmegen breakage syndrome; Microcephaly with normal intelligence immunodeficiency and lymphoreticular malignancies. Identifiers: Orphanet 647, MedGen C0398791, MONDO:0009623, OMIM 251260.

Allele frequency attached by ClinVar (database versions not stated): gnomAD 0.00005; TOPMed 0.00009.
gnomAD v4.1: 48 of 1,612,532 alleles (0.003%); highest among the groups gnomAD compares: Admixed American, 0.028%; no homozygotes.

Submissions (7):

Quest Diagnostics Nichols Institute San Juan Capistrano
Classification: Uncertain significance. Last evaluated: 2025-10-15. Review status: criteria provided, single submitter. Criteria: Quest Diagnostics criteria. Collection method: clinical testing. Allele origin: unknown.
Comment: The NBN c.1454C>T (p.Thr485Met) variant has been reported in the published literature in individuals and families affected with breast cancer (PMIDs: 25186627 (2015), 33606809 (2021), 38874686 (2024)). The frequency of this variant in the general population (Genome Aggregation Database) is uninformative in the assessment of its pathogenicity. Analysis of this variant using bioinformatics tools for the prediction of the effect of amino acid changes on protein structure and function yielded predictions that this variant is benign. Based on the available information, we are unable to determine the clinical significance of this variant.

Labcorp Genetics (formerly Invitae), Labcorp
Classification: Uncertain significance for Microcephaly, normal intelligence and immunodeficiency. Last evaluated: 2024-09-23. Review status: criteria provided, single submitter. Criteria: Invitae Variant Classification Sherloc (09022015). Collection method: clinical testing. Allele origin: germline.
Comment: This sequence change replaces threonine, which is neutral and polar, with methionine, which is neutral and non-polar, at codon 485 of the NBN protein (p.Thr485Met). This variant is present in population databases (rs200891292, gnomAD 0.02%). This variant has not been reported in the literature in individuals affected with NBN-related conditions. ClinVar contains an entry for this variant (Variation ID: 232337). An algorithm developed to predict the effect of missense changes on protein structure and function outputs the following: PolyPhen-2: "Benign". The methionine amino acid residue is found in multiple mammalian species, which suggests that this missense change does not adversely affect protein function. RNA analysis performed to evaluate the impact of this missense change on mRNA splicing indicates it does not significantly alter splicing (internal data). In summary, the available evidence is currently insufficient to determine the role of this variant in disease. Therefore, it has been classified as a Variant of Uncertain Significance.

Sema4
Classification: Uncertain significance for Hereditary cancer-predisposing syndrome. Last evaluated: 2022-02-16. Review status: criteria provided, single submitter. Criteria: Sema4 Curation Guidelines. Collection method: curation. Allele origin: germline.
Comment: The NBN c.1454C>T (p.T485M) variant has not been reported as a germline variant in the literature to our knowledge. It has been detected in the tumor specimen from an individual with primary glioblastoma (PMID: 19151620). This variant was observed in 7/33510 chromosomes in the Latino subpopulation according to the Genome Aggregation Database (PMID: 32461654). This variant has been reported in ClinVar (Variation ID: 232337). In silico tools suggest the impact of the variant on protein function is benign, though these predictions have not been confirmed by functional studies. The overall evidence is insufficient to meet ACMG/AMP criteria for classifying it as benign or pathogenic. In summary, the clinical significance of this variant is currently uncertain.

Genome-Nilou Lab
Classification: Likely benign for Microcephaly, normal intelligence and immunodeficiency. Last evaluated: 2021-11-07. Review status: criteria provided, single submitter. Criteria: ACMG Guidelines, 2015. Collection method: clinical testing. Allele origin: germline. Affected: no.

Institute for Clinical Genetics, University Hospital TU Dresden, University Hospital TU Dresden
Classification: Uncertain significance. Last evaluated: 2021-11-03. Review status: criteria provided, single submitter. Criteria: ACMG Guidelines, 2015. Collection method: clinical testing. Allele origin: germline.

Ambry Genetics
Classification: Likely benign for Hereditary cancer-predisposing syndrome. Last evaluated: 2018-11-10. Review status: criteria provided, single submitter. Criteria: Ambry Variant Classification Scheme 2023. Collection method: clinical testing. Allele origin: germline.

GeneDx
Classification: Likely benign. Last evaluated: 2018-05-03. Review status: criteria provided, single submitter. Criteria: GeneDx Variant Classification Process June 2021. Collection method: clinical testing. Allele origin: germline. Affected: yes.
Comment: This variant is associated with the following publications: (PMID: 21798893)

Literature cited by the submitters: PubMed 19151620 (cited by Quest Diagnostics Nichols Institute San Juan Capistrano and Sema4); PubMed 25186627 (cited by Quest Diagnostics Nichols Institute San Juan Capistrano); PubMed 36346689 (cited by Quest Diagnostics Nichols Institute San Juan Capistrano); PubMed 29338072 (cited by Quest Diagnostics Nichols Institute San Juan Capistrano); PubMed 32668560 (cited by Quest Diagnostics Nichols Institute San Juan Capistrano); PubMed 33606809 (cited by Quest Diagnostics Nichols Institute San Juan Capistrano); PubMed 38874686 (cited by Quest Diagnostics Nichols Institute San Juan Capistrano).

NM_002485.5(NBN):c.1454C>T (p.Thr485Met)

Gene: NBN (nibrin; minus strand). Cytogenetic location: 8q21.3.
Variant type: single nucleotide variant.
Coding change: c.1454C>T on transcript NM_002485.5 (MANE Select); coding-DNA position 1454, C replaced by T.
Protein change: p.Thr485Met; replaces threonine 485 with methionine.
Molecular consequence: missense variant.
Genome position (GRCh38, 1-based): chr8:89,953,635, G>A on the plus strand (C>T on the coding strand, the complement: NBN is on the minus strand). VCF-style: chr8-89953635-G-A. GRCh37 (hg19) VCF-style: chr8-90965863-G-A.
Other names: c.1208C>T, p.Thr403Met (NM_001024688.3); short protein forms T485M, T403M.
Identifiers: ClinVar variation 232337 (VCV000232337.25), dbSNP rs200891292, ClinGen allele CA4802717.